The following is an entry in ClinVar:

ClinVar aggregate classification (germline): Likely pathogenic (1 of 4 stars; one submission).

Submission:

Dasa
Classification: Likely pathogenic. Last evaluated: 2026-03-26. Review status: criteria provided, single submitter. Criteria: DASA Assertion Criteria. Collection method: clinical testing. Allele origin: germline.
Comment: NM_000088.4(COL1A1):c.751_752del (p.Gly251Cysfs*35) introduces a premature termination codon predicted to result in loss of normal protein function. Loss-of-function is an established mechanism of disease for this gene. The variant is present at low frequency in population datasets. Based on the available data, this variant is classified as likely pathogenic.

NM_000088.4(COL1A1):c.751_752del

Genes: COL1A1 (collagen type I alpha 1 chain; minus strand), LOC126862586 (CDK7 strongly-dependent group 2 enhancer GRCh37_chr17:48273702-48274901; plus strand). Cytogenetic location: 17q21.33.
Variant type: Deletion.
Coding change: c.751_752del on transcript NM_000088.4 (MANE Select); coding-DNA positions 751 to 752, 2 bases deleted (GG; older notation c.751_752delGG).
Molecular consequence: splice acceptor variant.
Genome position (GRCh38, 1-based): chr17:50,197,062-50,197,063, CC deleted on the plus strand (GG on the coding strand, the reverse complement: COL1A1 is on the minus strand); deleting any 2 consecutive bases within chr17:50,197,062-50,197,064 gives the same sequence; the c. name uses the placement nearest the transcript's 3' end. VCF-style (leftmost placement, unchanged base first): chr17-50197061-ACC-A. GRCh37 (hg19) VCF-style: chr17-48274422-ACC-A.
Identifiers: ClinVar variation 4851884 (VCV004851884.1).